The following is an entry in ClinVar:

ClinVar aggregate classification (germline): Likely pathogenic (1 of 4 stars; one submission).

Conditions:
Cranioectodermal dysplasia 2 (CED2). Identifiers: Orphanet 1515, MedGen C3150874, MONDO:0013323, OMIM 613610.
Short-rib thoracic dysplasia 7 with or without polydactyly (SRTD7). Also called: SHORT-RIB THORACIC DYSPLASIA 7 WITH POLYDACTYLY; Short rib polydactyly syndrome 5. Identifiers: Orphanet 498497, Orphanet 93271, MedGen C3279792, MONDO:0013569, OMIM 614091.

Allele frequency attached by ClinVar (database versions not stated): gnomAD 0.00001.
gnomAD v4.1: 1 of 1,612,634 alleles (0.000062%); highest among the groups gnomAD compares: Non-Finnish European, 0.000085%; no homozygotes.

Submission:

Labcorp Genetics (formerly Invitae), Labcorp
Classification: Likely pathogenic for Cranioectodermal dysplasia 2; Short-rib thoracic dysplasia 7 with or without polydactyly. Last evaluated: 2024-10-22. Review status: criteria provided, single submitter. Criteria: Invitae Variant Classification Sherloc (09022015). Collection method: clinical testing. Allele origin: germline.
Comment: This sequence change affects an acceptor splice site in intron 15 of the WDR35 gene. It is expected to disrupt RNA splicing. Variants that disrupt the donor or acceptor splice site typically lead to a loss of protein function (PMID: 16199547), and loss-of-function variants in WDR35 are known to be pathogenic (PMID: 22486404, 29068549). This variant is present in population databases (no rsID available, gnomAD 0.007%). This variant has not been reported in the literature in individuals affected with WDR35-related conditions. ClinVar contains an entry for this variant (Variation ID: 2058563). Algorithms developed to predict the effect of sequence changes on RNA splicing suggest that this variant may disrupt the consensus splice site. In summary, the currently available evidence indicates that the variant is pathogenic, but additional data are needed to prove that conclusively. Therefore, this variant has been classified as Likely Pathogenic.

Literature cited by the submitters: PubMed 16199547; PubMed 22486404; PubMed 29068549.

NM_020779.4(WDR35):c.1525-2A>T

Gene: WDR35 (WD repeat domain 35; minus strand). Cytogenetic location: 2p24.1.
Variant type: single nucleotide variant.
Coding change: c.1525-2A>T on transcript NM_020779.4 (MANE Select); the canonical splice acceptor site of the intron before coding-DNA position 1525, A replaced by T.
Molecular consequence: splice acceptor variant.
Genome position (GRCh38, 1-based): chr2:19,946,572, T>A on the plus strand (A>T on the coding strand, the complement: WDR35 is on the minus strand). VCF-style: chr2-19946572-T-A. GRCh37 (hg19) VCF-style: chr2-20146333-T-A.
Other names: c.1558-2A>T (NM_001006657.2).
Identifiers: ClinVar variation 2058563 (VCV002058563.4), dbSNP rs1486662314, ClinGen allele CA345945146.
Genomic context (GRCh38, chr2:19,946,572, plus strand): 5'-TTTTGAATCAAACCAACATTAGGTAGACTGTATCTCTGAATGGTGCCAGATTCACGACCC[T>A]ATGGAAATTACTTTTGATTACTTAAGCATACGTGTATCATAATAATATTAAACTACAACT-3'